The following is an entry in ClinVar:

NM_001042492.3(NF1):c.1076A>T (p.Asn359Ile)

Gene: NF1 (neurofibromin 1; plus strand). Cytogenetic location: 17q11.2.
Variant type: single nucleotide variant.
Coding change: c.1076A>T on transcript NM_001042492.3 (MANE Select); coding-DNA position 1076, A replaced by T.
Protein change: p.Asn359Ile; replaces asparagine 359 with isoleucine.
Molecular consequence: missense variant.
Genome position (GRCh38, 1-based): chr17:31,201,050, A>T. VCF-style: chr17-31201050-A-T. GRCh37 (hg19) VCF-style: chr17-29528068-A-T.
Other names: c.1076A>T, p.Asn359Ile (NM_000267.4, NM_001128147.3); short protein forms N359I.
Identifiers: ClinVar variation 1054283 (VCV001054283.5), dbSNP rs2143878548, ClinGen allele CA398996733.

ClinVar aggregate classification (germline): Uncertain significance (1 of 4 stars; one submission).

Conditions:
Neurofibromatosis, type 1 (NF1). Also called: Peripheral type neurofibromatosis; Neurofibromatosis, type I; VON RECKLINGHAUSEN DISEASE; NEUROFIBROMATOSIS, TYPE I, SOMATIC. Identifiers: Orphanet 636, MedGen C0027831, MONDO:0018975, OMIM 162200. Disease mechanism: loss of function.

Submission:

Labcorp Genetics (formerly Invitae), Labcorp
Classification: Uncertain significance for Neurofibromatosis, type 1. Last evaluated: 2020-05-28. Review status: criteria provided, single submitter. Criteria: Invitae Variant Classification Sherloc (09022015). Collection method: clinical testing. Allele origin: germline.
Comment: Algorithms developed to predict the effect of missense changes on protein structure and function are either unavailable or do not agree on the potential impact of this missense change (SIFT: "Deleterious"; PolyPhen-2: "Probably Damaging"; Align-GVGD: "Class C15"). In summary, the available evidence is currently insufficient to determine the role of this variant in disease. Therefore, it has been classified as a Variant of Uncertain Significance. This variant has not been reported in the literature in individuals with NF1-related conditions. This variant is not present in population databases (ExAC no frequency). This sequence change replaces asparagine with isoleucine at codon 359 of the NF1 protein (p.Asn359Ile). The asparagine residue is highly conserved and there is a large physicochemical difference between asparagine and isoleucine.